The following is an entry in ClinVar:

ClinVar aggregate classification (germline): Benign/Likely benign. Review status: criteria provided, multiple submitters, no conflicts (2 of 4 stars). 2 submissions from 2 submitters: Benign (1); Likely benign (1). Last evaluated 2026-09-01.

Allele frequency attached by ClinVar (database versions not stated): ESP Exome Variant Server 0.00015; gnomAD exomes 0.00021; gnomAD 0.00033; TOPMed 0.00033; ExAC 0.00042; 1000 Genomes Project 30x 0.00062; 1000 Genomes Project 0.00080.
gnomAD v4.1: 370 of 1,613,802 alleles (0.023%); highest among the groups gnomAD compares: South Asian, 0.15%; 3 homozygotes.

Submissions (2):

CeGaT Center for Human Genetics Tuebingen
Classification: Likely benign. Last evaluated: 2026-09-01. Review status: criteria provided, single submitter. Criteria: CeGaT Center For Human Genetics Tuebingen Variant Classification Criteria Version 2. Collection method: clinical testing. Allele origin: germline. Affected: yes. Observed: 3 variant alleles.
Comment: LSS: BP4, BP7

Labcorp Genetics (formerly Invitae), Labcorp
Classification: Benign. Last evaluated: 2025-12-19. Review status: criteria provided, single submitter. Criteria: Invitae Variant Classification Sherloc (09022015). Collection method: clinical testing. Allele origin: germline.

NM_002340.6(LSS):c.732C>T (p.Tyr244=)

Gene: LSS (lanosterol synthase; minus strand). Cytogenetic location: 21q22.3.
Variant type: single nucleotide variant.
Coding change: c.732C>T on transcript NM_002340.6 (MANE Select); coding-DNA position 732, C replaced by T.
Protein change: p.Tyr244=; no amino-acid change (tyrosine 244 retained).
Molecular consequence: synonymous variant.
Genome position (GRCh38, 1-based): chr21:46,216,440, G>A on the plus strand (C>T on the coding strand, the complement: LSS is on the minus strand). VCF-style: chr21-46216440-G-A. GRCh37 (hg19) VCF-style: chr21-47636354-G-A.
Other names: c.732C>T, p.Tyr244= (NM_001001438.3); c.699C>T, p.Tyr233= (NM_001145436.2); c.492C>T, p.Tyr164= (NM_001145437.2).
Identifiers: ClinVar variation 2722269 (VCV002722269.17), dbSNP rs138974013, ClinGen allele CA10075354.
Genomic context (GRCh38, chr21:46,216,440, plus strand): 5'-AGGTCCTACCTGGCGGAGGCTCTGGACCAGCGGGTCTTCCGCGGCACTCAGCCGAACGGC[G>A]TAGCAGTAGCTCATGGGCAGGTACACCTGCCGGCAGTGGCACCAGAGTGTGGAGGGGTGT-3'
Protein context (NP_002331.3, residues 234-254): RQVYLPMSYC[Tyr244=]AVRLSAAEDP